The following is an entry in ClinVar:

ClinVar aggregate classification (germline): Benign/Likely benign. Review status: criteria provided, multiple submitters, no conflicts (2 of 4 stars). 3 submissions from 3 submitters: Benign (2); Likely benign (1). Last evaluated 2025-12-23.

Conditions:
Gorlin syndrome. Also called: Nevoid Basal Cell Carcinoma Syndrome; Basal cell nevus syndrome. Identifiers: Orphanet 377, MedGen C0004779, MONDO:0007187.
Basal cell carcinoma, susceptibility to, 1. Also called: BCC1. Identifiers: MedGen C2751544, MONDO:0011556, OMIM 605462.

Allele frequency attached by ClinVar (database versions not stated): gnomAD exomes 0.00010 and 0.00025; ExAC 0.00030; gnomAD 0.00079 and 0.00084; 1000 Genomes Project 30x 0.00094; 1000 Genomes Project 0.00100; TOPMed 0.00105; ESP Exome Variant Server 0.00108.
gnomAD v4.1: 275 of 1,614,086 alleles (0.017%); highest among the groups gnomAD compares: African/African-American, 0.32%; 1 homozygote.

Submissions (3):

Labcorp Genetics (formerly Invitae), Labcorp
Classification: Benign for Gorlin syndrome. Last evaluated: 2025-12-23. Review status: criteria provided, single submitter. Criteria: Invitae Variant Classification Sherloc (09022015). Collection method: clinical testing. Allele origin: germline.

CeGaT Center for Human Genetics Tuebingen
Classification: Likely benign. Last evaluated: 2025-03-01. Review status: criteria provided, single submitter. Criteria: CeGaT Center For Human Genetics Tuebingen Variant Classification Criteria Version 2. Collection method: clinical testing. Allele origin: germline. Affected: yes. Observed: 1 variant allele.
Comment: PTCH2: BP4, BP7

KCCC/NGS Laboratory, Kuwait Cancer Control Center
Classification: Benign for Basal cell carcinoma, susceptibility to, 1. Last evaluated: 2023-07-07. Review status: criteria provided, single submitter. Criteria: ACMG Guidelines, 2015. Collection method: clinical testing. Allele origin: germline. Affected: yes.

NM_003738.5(PTCH2):c.1569G>A (p.Ala523=)

Gene: PTCH2 (patched 2; minus strand). Cytogenetic location: 1p34.1.
Variant type: single nucleotide variant.
Coding change: c.1569G>A on transcript NM_003738.5 (MANE Select); coding-DNA position 1569, G replaced by A.
Protein change: p.Ala523=; no amino-acid change (alanine 523 retained).
Molecular consequence: synonymous variant.
Genome position (GRCh38, 1-based): chr1:44,828,527, C>T on the plus strand (G>A on the coding strand, the complement: PTCH2 is on the minus strand). VCF-style: chr1-44828527-C-T. GRCh37 (hg19) VCF-style: chr1-45294199-C-T.
Other names: c.1569G>A, p.Ala523= (NM_001166292.2).
Identifiers: ClinVar variation 453925 (VCV000453925.20), dbSNP rs143390610, ClinGen allele CA823269.